The following is an entry in ClinVar:

ClinVar aggregate classification (germline): Uncertain significance (1 of 4 stars; one submission).

Conditions:
Hereditary nonpolyposis colorectal neoplasms. Identifiers: MedGen C0009405, MeSH D003123.

Submission:

Labcorp Genetics (formerly Invitae), Labcorp
Classification: Uncertain significance for Hereditary nonpolyposis colorectal neoplasms. Last evaluated: 2024-06-17. Review status: criteria provided, single submitter. Criteria: Invitae Variant Classification Sherloc (09022015). Collection method: clinical testing. Allele origin: germline.
Comment: This sequence change falls in intron 11 of the PMS2 gene. It does not directly change the encoded amino acid sequence of the PMS2 protein. The frequency data for this variant in the population databases (gnomAD) is considered unreliable due to the presence of homologous sequence, such as pseudogenes or paralogs, in the genome. This variant has not been reported in the literature in individuals affected with PMS2-related conditions. Experimental studies and prediction algorithms are not available or were not evaluated, and the effect of this variant on mRNA splicing is currently unknown. In summary, the available evidence is currently insufficient to determine the role of this variant in disease. Therefore, it has been classified as a Variant of Uncertain Significance.

NM_000535.7(PMS2):c.2007-7_2007-6delinsTT

Gene: PMS2 (PMS1 homolog 2, mismatch repair system component; minus strand). Cytogenetic location: 7p22.1.
Variant type: Indel.
Coding change: c.2007-7_2007-6delinsTT on transcript NM_000535.7 (MANE Select); 7 bases into the intron before coding-DNA position 2007 through 6 bases into the intron before coding-DNA position 2007, CC replaced by TT.
Molecular consequence: intron variant.
Genome position (GRCh38, 1-based): chr7:5,982,997-5,982,998, GG replaced by AA on the plus strand (CC replaced by TT on the coding strand, the reverse complement: PMS2 is on the minus strand). VCF-style: chr7-5982997-GG-AA. GRCh37 (hg19) VCF-style: chr7-6022628-GG-AA.
Other names: c.1602-7_1602-6delinsTT (NM_001406896.1, NM_001406892.1, NM_001406888.1 and 14 more transcripts); c.1671-7_1671-6delinsTT (NM_001406885.1); c.1533-7_1533-6delinsTT (NM_001406901.1, NM_001406902.1); c.1688+3761_1688+3762delinsTT (NM_001406903.1); c.1689-7_1689-6delinsTT (NM_001322007.2, NM_001406876.1, NM_001322008.2 and 1 more transcripts); c.1542-7_1542-6delinsTT (NM_001406900.1); c.1434-7_1434-6delinsTT (NM_001406909.1, NM_001322013.2); c.1446-7_1446-6delinsTT (NM_001406907.1, NM_001322010.2, NM_001406906.1); and 16 more.
Identifiers: ClinVar variation 3656805 (VCV003656805.2).
Genomic context (GRCh38, chr7:5,982,997, plus strand): 5'-TATAAATCCCAGGTTAAACTGACCAATGATTTCCATTTCTGCAAACATCGTTTTACTGCA[GG>AA]TAGAAAATGTTAATTATCAGACATTTTACAAGATTATTTTTCTGATTATGTTATAGAACA-3'